The following is an entry in ClinVar:

NM_004360.5(CDH1):c.120G>T (p.Thr40=)

Gene: CDH1 (cadherin 1; plus strand). Cytogenetic location: 16q22.1.
Variant type: single nucleotide variant.
Coding change: c.120G>T on transcript NM_004360.5 (MANE Select); coding-DNA position 120, G replaced by T.
Protein change: p.Thr40=; no amino-acid change (threonine 40 retained).
Molecular consequence: synonymous variant. On other transcripts: 5 prime UTR variant (2).
Genome position (GRCh38, 1-based): chr16:68,738,368, G>T. VCF-style: chr16-68738368-G-T. GRCh37 (hg19) VCF-style: chr16-68772271-G-T.
Other names: c.120G>T, p.Thr40= (NM_001317184.2); c.-1496G>T (NM_001317185.2); c.-1700G>T (NM_001317186.2).
Identifiers: ClinVar variation 3378528 (VCV003378528.1).

ClinVar aggregate classification (germline): Benign (1 of 4 stars; one submission).

Conditions:
Hereditary diffuse gastric adenocarcinoma (HDGC). Also called: DIFFUSE GASTRIC AND LOBULAR BREAST CANCER SYNDROME. Identifiers: Orphanet 26106, MedGen C1708349, MONDO:0007648, OMIM 137215.

Submission:

Myriad Genetics, Inc.
Classification: Benign for Hereditary diffuse gastric adenocarcinoma. Last evaluated: 2024-09-11. Review status: criteria provided, single submitter. Criteria: Myriad Autosomal Dominant, Autosomal Recessive and X-Linked Classification Criteria (2023). Collection method: clinical testing. Allele origin: unknown.
Comment: This variant is considered benign. This variant is a silent/synonymous amino acid change and it is not expected to impact splicing.